The following is an entry in ClinVar:

ClinVar aggregate classification (germline): Uncertain significance (1 of 4 stars; one submission).

Submission:

GeneDx
Classification: Uncertain significance. Last evaluated: 2024-07-02. Review status: criteria provided, single submitter. Criteria: GeneDx Variant Classification Process June 2021. Collection method: clinical testing. Allele origin: germline. Affected: yes.
Comment: Not observed at significant frequency in large population cohorts (gnomAD); In silico analysis supports that this missense variant has a deleterious effect on protein structure/function; Has not been previously published as pathogenic or benign to our knowledge

NM_001374828.1(ARID1B):c.6515T>G (p.Leu2172Trp)

Gene: ARID1B (AT-rich interaction domain 1B; plus strand). Cytogenetic location: 6q25.3.
Variant type: single nucleotide variant.
Coding change: c.6515T>G on transcript NM_001374828.1 (MANE Select); coding-DNA position 6515, T replaced by G.
Protein change: p.Leu2172Trp; replaces leucine 2172 with tryptophan.
Molecular consequence: missense variant.
Genome position (GRCh38, 1-based): chr6:157,207,287, T>G. VCF-style: chr6-157207287-T-G. GRCh37 (hg19) VCF-style: chr6-157528421-T-G.
Other names: c.4016T>G, p.Leu1339Trp (NM_001363725.2); c.6395T>G, p.Leu2132Trp (NM_001371656.1, NM_001374820.1); c.6356T>G, p.Leu2119Trp (NM_017519.3); c.6146T>G (NM_020732.3); short protein forms L2132W, L1339W, L2119W, L2172W.
Identifiers: ClinVar variation 3393851 (VCV003393851.1).